The following is an entry in ClinVar:

ClinVar aggregate classification (germline): Uncertain significance. Review status: criteria provided, multiple submitters, no conflicts (2 of 4 stars). 2 submissions from 2 submitters: Uncertain significance (2). Last evaluated 2024-08-15.

Conditions:
Christianson syndrome (MRXSCH). Also called: INTELLECTUAL DEVELOPMENTAL DISORDER, X-LINKED, SYNDROMIC, CHRISTIANSON TYPE; SLC9A6-Related Syndromic Mental Retardation; X-linked mental retardation, syndromic, Christianson type. Identifiers: Orphanet 85278, MedGen C2678194, MONDO:0010278, OMIM 300243.

Allele frequency attached by ClinVar (database versions not stated): TOPMed below 0.00001; gnomAD 0.00001; gnomAD exomes 0.00003.
gnomAD v4.1: 28 of 1,197,234 alleles (0.0023%); highest among the groups gnomAD compares: Non-Finnish European, 0.0032%; no homozygotes.

Submissions (2):

Labcorp Genetics (formerly Invitae), Labcorp
Classification: Uncertain significance for Christianson syndrome. Last evaluated: 2024-08-15. Review status: criteria provided, single submitter. Criteria: Invitae Variant Classification Sherloc (09022015). Collection method: clinical testing. Allele origin: germline.
Comment: This sequence change falls in intron 7 of the SLC9A6 gene. It does not directly change the encoded amino acid sequence of the SLC9A6 protein. This variant is not present in population databases (gnomAD no frequency). This variant has not been reported in the literature in individuals affected with SLC9A6-related conditions. ClinVar contains an entry for this variant (Variation ID: 282219). Algorithms developed to predict the effect of sequence changes on RNA splicing suggest that this variant may disrupt the consensus splice site. In summary, the available evidence is currently insufficient to determine the role of this variant in disease. Therefore, it has been classified as a Variant of Uncertain Significance.

Eurofins Ntd Llc (ga)
Classification: Uncertain significance. Last evaluated: 2015-08-20. Review status: criteria provided, single submitter. Criteria: EGL Classification Definitions 2015. Collection method: clinical testing. Allele origin: germline. Observed: 1 variant allele, 1 heterozygote.

NM_001379110.1(SLC9A6):c.885+7T>G

Gene: SLC9A6 (solute carrier family 9 member A6; plus strand). Cytogenetic location: Xq26.3.
Variant type: single nucleotide variant.
Coding change: c.885+7T>G on transcript NM_001379110.1 (MANE Select); 7 bases into the intron after coding-DNA position 885, T replaced by G.
Molecular consequence: intron variant.
Genome position (GRCh38, 1-based): chrX:136,010,590, T>G. VCF-style: chrX-136010590-T-G. GRCh37 (hg19) VCF-style: chrX-135092749-T-G.
Other names: c.1041+7T>G (NM_001042537.2); c.945+7T>G (NM_006359.3); c.885+7T>G (NM_001177651.2); c.789+7T>G (NM_001330652.2).
Identifiers: ClinVar variation 282219 (VCV000282219.9), dbSNP rs886044788, ClinGen allele CA10604106.